The following is an entry in ClinVar:

ClinVar aggregate classification (germline): Uncertain significance (1 of 4 stars; one submission).

gnomAD v4.1: 2 of 1,613,934 alleles (0.00012%); highest among the groups gnomAD compares: African/African-American, 0.0013%; no homozygotes.

Submission:

Labcorp Genetics (formerly Invitae), Labcorp
Classification: Uncertain significance. Last evaluated: 2024-07-27. Review status: criteria provided, single submitter. Criteria: Invitae Variant Classification Sherloc (09022015). Collection method: clinical testing. Allele origin: germline.
Comment: This sequence change replaces serine, which is neutral and polar, with leucine, which is neutral and non-polar, at codon 802 of the VAV1 protein (p.Ser802Leu). This variant is not present in population databases (gnomAD no frequency). This variant has not been reported in the literature in individuals affected with VAV1-related conditions. An algorithm developed to predict the effect of missense changes on protein structure and function (PolyPhen-2) suggests that this variant is likely to be disruptive. In summary, the available evidence is currently insufficient to determine the role of this variant in disease. Therefore, it has been classified as a Variant of Uncertain Significance.

NM_005428.4(VAV1):c.2405C>T (p.Ser802Leu)

Gene: VAV1 (vav guanine nucleotide exchange factor 1; plus strand). Cytogenetic location: 19p13.3.
Variant type: single nucleotide variant.
Coding change: c.2405C>T on transcript NM_005428.4 (MANE Select); coding-DNA position 2405, C replaced by T.
Protein change: p.Ser802Leu; replaces serine 802 with leucine.
Molecular consequence: missense variant.
Genome position (GRCh38, 1-based): chr19:6,854,019, C>T. VCF-style: chr19-6854019-C-T. GRCh37 (hg19) VCF-style: chr19-6854030-C-T.
Other names: c.2339C>T, p.Ser780Leu (NM_001258206.2); c.2309C>T, p.Ser770Leu (NM_001258207.2); short protein forms S770L, S802L, S780L.
Identifiers: ClinVar variation 3683508 (VCV003683508.2).